The following is an entry in ClinVar:

ClinVar aggregate classification (germline): Benign/Likely benign. Review status: criteria provided, multiple submitters, no conflicts (2 of 4 stars). 8 submissions from 7 submitters: Benign (7); Likely benign (1). Last evaluated 2026-02-01.

Conditions:
Adams-Oliver syndrome 5 (AOS5). Identifiers: Orphanet 974, MedGen C4014970, MONDO:0014459, OMIM 616028.
Familial thoracic aortic aneurysm and aortic dissection (TAAD). Also called: Thoracic aortic aneurysms and dissections. Identifiers: Orphanet 91387, MedGen C4707243, MONDO:0019625.
Aortic valve disease 1 (AOVD1). Identifiers: MedGen C3887892, MONDO:0024523, OMIM 109730.

Submissions (8):

Labcorp Genetics (formerly Invitae), Labcorp
Classification: Benign for Adams-Oliver syndrome 5. Last evaluated: 2026-02-01. Review status: criteria provided, single submitter. Criteria: Invitae Variant Classification Sherloc (09022015). Collection method: clinical testing. Allele origin: germline.

ARUP Laboratories, Molecular Genetics and Genomics, ARUP Laboratories
Classification: Benign. Last evaluated: 2025-06-16. Review status: criteria provided, single submitter. Criteria: ARUP Molecular Germline Variant Investigation Process 2024. Collection method: clinical testing. Allele origin: germline.

Blueprint Genetics
Classification: Likely benign. Last evaluated: 2024-11-11. Review status: criteria provided, single submitter. Criteria: ACMG Guidelines, 2015. Collection method: clinical testing. Allele origin: germline.

Women's Health and Genetics/Laboratory Corporation of America, LabCorp
Classification: Benign. Last evaluated: 2023-07-21. Review status: criteria provided, single submitter. Criteria: LabCorp Variant Classification Summary - May 2015. Collection method: clinical testing. Allele origin: germline.

Genome-Nilou Lab
Classification: Benign for Adams-Oliver syndrome 5. Last evaluated: 2022-03-15. Review status: criteria provided, single submitter. Criteria: ACMG Guidelines, 2015. Collection method: clinical testing. Allele origin: germline. Affected: no.

Genome-Nilou Lab
Classification: Benign for Aortic valve disease 1. Last evaluated: 2022-03-15. Review status: criteria provided, single submitter. Criteria: ACMG Guidelines, 2015. Collection method: clinical testing. Allele origin: germline. Affected: no.

CHEO Genetics Diagnostic Laboratory, Children's Hospital of Eastern Ontario
Classification: Benign for Familial thoracic aortic aneurysm and aortic dissection. Last evaluated: 2019-03-07. Review status: criteria provided, single submitter. Criteria: ACMG Guidelines, 2015. Collection method: clinical testing. Allele origin: germline.

GeneDx
Classification: Benign. Last evaluated: 2017-07-28. Review status: criteria provided, single submitter. Criteria: GeneDx Variant Classification (06012015). Collection method: clinical testing. Allele origin: germline. Affected: yes.
Comment: This variant is considered likely benign or benign based on one or more of the following criteria: it is a conservative change, it occurs at a poorly conserved position in the protein, it is predicted to be benign by multiple in silico algorithms, and/or has population frequency not consistent with disease.

Literature cited by the submitters: PubMed 16614245 (cited by Women's Health and Genetics/Laboratory Corporation of America, LabCorp); PubMed 19635999 (cited by Women's Health and Genetics/Laboratory Corporation of America, LabCorp); PubMed 19245433 (cited by Women's Health and Genetics/Laboratory Corporation of America, LabCorp); PubMed 22858860 (cited by Women's Health and Genetics/Laboratory Corporation of America, LabCorp).

NM_017617.5(NOTCH1):c.5019-13_5019-10del

Gene: NOTCH1 (notch receptor 1; minus strand). Cytogenetic location: 9q34.3.
Variant type: Deletion.
Coding change: c.5019-13_5019-10del on transcript NM_017617.5 (MANE Select); 13 bases into the intron before coding-DNA position 5019 through 10 bases into the intron before coding-DNA position 5019, 4 bases deleted (ATTG; older notation c.5019-13_5019-10delATTG).
Molecular consequence: intron variant.
Genome position (GRCh38, 1-based): chr9:136,503,340-136,503,343, CAAT deleted on the plus strand (ATTG on the coding strand, the reverse complement: NOTCH1 is on the minus strand); deleting any 4 consecutive bases within chr9:136,503,340-136,503,345 gives the same sequence; the c. name uses the placement nearest the transcript's 3' end. VCF-style (leftmost placement, unchanged base first): chr9-136503339-ACAAT-A. GRCh37 (hg19) VCF-style: chr9-139397791-ACAAT-A.
Other names: c.5019-13_5019-10delATTG (NM_017617.3, NM_017617.4).
Identifiers: ClinVar variation 415393 (VCV000415393.17), dbSNP rs374419074, ClinGen allele CA5340459.